The following is an entry in ClinVar:

ClinVar aggregate classification (germline): Uncertain significance (1 of 4 stars; one submission).

Submission:

Greenwood Genetic Center Diagnostic Laboratories, Greenwood Genetic Center
Classification: Uncertain significance. Last evaluated: 2024-04-04. Review status: criteria provided, single submitter. Criteria: ACMG Guidelines, 2015. Collection method: clinical testing. Allele origin: germline. Affected: yes.
Comment: Gene of Uncertain Significance

NM_014345.3(ZNF318):c.5238_5264dup (p.Val1755_Asn1756insValGluIleHisLeuArgGluSerVal)

Gene: ZNF318 (zinc finger protein 318; minus strand). Cytogenetic location: 6p21.1.
Variant type: Duplication.
Coding change: c.5238_5264dup on transcript NM_014345.3 (MANE Select); coding-DNA positions 5238 to 5264, 27 bases duplicated (GGTAGAAATCCACCTCAGAGAATCTGT).
Protein change: p.Val1755_Asn1756insValGluIleHisLeuArgGluSerVal.
Molecular consequence: inframe insertion.
Genome position (GRCh38, 1-based): chr6:43,338,734-43,338,760, ACAGATTCTCTGAGGTGGATTTCTACC duplicated on the plus strand (GGTAGAAATCCACCTCAGAGAATCTGT on the coding strand, the reverse complement: ZNF318 is on the minus strand); duplicating any 27 consecutive bases within chr6:43,338,734-43,338,761 gives the same sequence; the c. name uses the placement nearest the transcript's 3' end. VCF-style (leftmost placement, unchanged base first): chr6-43338733-A-AACAGATTCTCTGAGGTGGATTTCTACC. GRCh37 (hg19) VCF-style: chr6-43306471-A-AACAGATTCTCTGAGGTGGATTTCTACC.
Identifiers: ClinVar variation 3338497 (VCV003338497.1).